The following is an entry in ClinVar:

ClinVar aggregate classification (germline): Pathogenic. Review status: criteria provided, multiple submitters, no conflicts (2 of 4 stars). 6 submissions from 6 submitters: Pathogenic (6). Last evaluated 2025-12-28.

Conditions:
Cardiovascular phenotype. Identifiers: MedGen CN230736.
Hypertrophic cardiomyopathy 4. Also called: Familial hypertrophic cardiomyopathy 4. Identifiers: MedGen C1861862, MONDO:0007268, OMIM 115197.
Hypertrophic cardiomyopathy. Also called: HYPERTROPHIC MYOCARDIOPATHY. Identifiers: Orphanet 217569, MedGen C0007194, MeSH D002312, MONDO:0005045, HP:0001639.

Submissions (6):

Labcorp Genetics (formerly Invitae), Labcorp
Classification: Pathogenic for Hypertrophic cardiomyopathy. Last evaluated: 2025-12-28. Review status: criteria provided, single submitter. Criteria: Invitae Variant Classification Sherloc (09022015). Collection method: clinical testing. Allele origin: germline.
Comment: This sequence change affects a donor splice site in intron 17 of the MYBPC3 gene. It is expected to disrupt RNA splicing. Variants that disrupt the donor or acceptor splice site typically lead to a loss of protein function (PMID: 16199547), and loss-of-function variants in MYBPC3 are known to be pathogenic (PMID: 19574547). This variant is not present in population databases (gnomAD no frequency). Disruption of this splice site has been observed in individuals with hypertrophic cardiomyopathy (HCM) (PMID: 12707239, 16679492, 27532257; internal data). This variant is also known as IVS17+2t:11073c. ClinVar contains an entry for this variant (Variation ID: 164107). Algorithms developed to predict the effect of sequence changes on RNA splicing suggest that this variant may disrupt the consensus splice site. For these reasons, this variant has been classified as Pathogenic.

Ambry Genetics
Classification: Pathogenic for Cardiovascular phenotype. Last evaluated: 2025-11-04. Review status: criteria provided, single submitter. Criteria: Ambry Variant Classification Scheme 2023. Collection method: clinical testing. Allele origin: germline.
Comment: The c.1624+2T>C intronic pathogenic mutation results from a T to C substitution two nucleotides after coding exon 17 in the MYBPC3 gene. This variant was reported in individual(s) with features consistent with hypertrophic cardiomyopathy (HCM) (Richard P et al. Circulation. 2003;107(17):2227-32; Walsh R et al. Genet Med, 2017 02;19:192-203; Ambry internal data). Note, this variant is also referred to as IVS17+2:t11073c in the literature. This variant is considered to be rare based on population cohorts in the Genome Aggregation Database (gnomAD). This nucleotide position is highly conserved in available vertebrate species. In silico splice site analysis predicts that this alteration will weaken the native splice donor site. Alterations that disrupt the canonical splice site are expected to cause aberrant splicing, resulting in an abnormal protein or a transcript that is subject to nonsense-mediated mRNA decay. As such, this alteration is classified as a disease-causing mutation.

GeneDx
Classification: Pathogenic. Last evaluated: 2024-04-22. Review status: criteria provided, single submitter. Criteria: GeneDx Variant Classification Process June 2021. Collection method: clinical testing. Allele origin: germline. Affected: yes.
Comment: Not observed at significant frequency in large population cohorts (gnomAD); Canonical splice site variant predicted to result in a null allele in a gene for which loss of function is a known mechanism of disease; This variant is associated with the following publications: (PMID: 19574547, 27532257, 12707239)

Daryl Scott Lab, Baylor College of Medicine
Classification: Pathogenic for Hypertrophic cardiomyopathy 4. Last evaluated: 2022-02-01. Review status: criteria provided, single submitter. Criteria: ACMG Guidelines, 2015. Collection method: clinical testing. Allele origin: maternal. Affected: yes. Observed: 1 variant allele.

Mayo Clinic Laboratories, Mayo Clinic
Classification: Pathogenic. Last evaluated: 2021-05-20. Review status: criteria provided, single submitter. Criteria: ACMG Guidelines, 2015. Collection method: clinical testing. Allele origin: germline.
Comment: PVS1, PM2, PS4_moderate

Laboratory for Molecular Medicine, Mass General Brigham Personalized Medicine
Classification: Pathogenic for Hypertrophic cardiomyopathy. Last evaluated: 2017-08-31. Review status: criteria provided, single submitter. Criteria: LMM Criteria. Collection method: clinical testing. Allele origin: germline. Inheritance: Autosomal dominant inheritance. Observed: 5 variant alleles.
Comment: The c.1624+2T>C variant in MYBPC3 has been reported in 2 individuals with HCM an d segregated with disease in 3 affected relatives (variant listed as IVS17+2:t11 073c in Richard 2003, LMM data). It was absent from large population studies. Th is variant occurs in the invariant region (+/- 1,2) of the splice consensus sequ ence and is predicted to cause altered splicing leading to an abnormal or absent protein. Splicing and other MYBPC3 variants resulting in a heterozygous loss of function are strongly associated with HCM. In summary, this variant meets crite ria to be classified as pathogenic for HCM in an autosomal dominant manner based upon absence from controls and the predicted impact to the protein.

Literature cited by the submitters: PubMed 16199547 (cited by Labcorp Genetics (formerly Invitae), Labcorp); PubMed 19574547 (cited by Labcorp Genetics (formerly Invitae), Labcorp); PubMed 12707239 (cited by 4 submitters); PubMed 16679492 (cited by Labcorp Genetics (formerly Invitae), Labcorp); PubMed 27532257 (cited by 4 submitters); PubMed 36474027 (cited by Daryl Scott Lab, Baylor College of Medicine).

NM_000256.3(MYBPC3):c.1624+2T>C

Gene: MYBPC3 (myosin binding protein C3; minus strand). Cytogenetic location: 11p11.2.
Variant type: single nucleotide variant.
Coding change: c.1624+2T>C on transcript NM_000256.3 (MANE Select); the canonical splice donor site of the intron after coding-DNA position 1624, T replaced by C.
Molecular consequence: splice donor variant.
Genome position (GRCh38, 1-based): chr11:47,342,576, A>G on the plus strand (T>C on the coding strand, the complement: MYBPC3 is on the minus strand). VCF-style: chr11-47342576-A-G. GRCh37 (hg19) VCF-style: chr11-47364127-A-G.
Identifiers: ClinVar variation 164107 (VCV000164107.23), dbSNP rs111437311, ClinGen allele CA010761.